The following is an entry in ClinVar:

ClinVar aggregate classification (germline): Uncertain significance (1 of 4 stars; one submission).

Conditions:
Hereditary pancreatitis (PCTT). Also called: Hereditary chronic pancreatitis; PRSS1-Related Hereditary Pancreatitis. Identifiers: Orphanet 676, MedGen C0238339, MONDO:0008185, OMIM 167800.

Submission:

Ambry Genetics
Classification: Uncertain significance for Hereditary pancreatitis. Last evaluated: 2023-10-13. Review status: criteria provided, single submitter. Criteria: Ambry Variant Classification Scheme 2023. Collection method: clinical testing. Allele origin: germline.
Comment: The p.G201W variant (also known as c.601G>T), located in coding exon 6 of the CPA1 gene, results from a G to T substitution at nucleotide position 601. The glycine at codon 201 is replaced by tryptophan, an amino acid with highly dissimilar properties. This amino acid position is conserved. In addition, this alteration is predicted to be tolerated by in silico analysis. Since supporting evidence is limited at this time, the clinical significance of this alteration remains unclear.

NM_001868.4(CPA1):c.601G>T (p.Gly201Trp)

Gene: CPA1 (carboxypeptidase A1; plus strand). Cytogenetic location: 7q32.2.
Variant type: single nucleotide variant.
Coding change: c.601G>T on transcript NM_001868.4 (MANE Select); coding-DNA position 601, G replaced by T.
Protein change: p.Gly201Trp; replaces glycine 201 with tryptophan.
Molecular consequence: missense variant.
Genome position (GRCh38, 1-based): chr7:130,383,699, G>T. VCF-style: chr7-130383699-G-T. GRCh37 (hg19) VCF-style: chr7-130023540-G-T.
Other names: short protein forms G201W.
Identifiers: ClinVar variation 3221834 (VCV003221834.1), dbSNP rs782234205, ClinGen allele CA369282665.